The following is an entry in ClinVar:

NM_013352.4(DSE):c.2198C>G (p.Pro733Arg)

Gene: DSE (dermatan sulfate epimerase; plus strand). Cytogenetic location: 6q22.1.
Variant type: single nucleotide variant.
Coding change: c.2198C>G on transcript NM_013352.4 (MANE Select); coding-DNA position 2198, C replaced by G.
Protein change: p.Pro733Arg; replaces proline 733 with arginine.
Molecular consequence: missense variant. On other transcripts: 3 prime UTR variant (2), non-coding transcript variant (1).
Genome position (GRCh38, 1-based): chr6:116,436,666, C>G. VCF-style: chr6-116436666-C-G. GRCh37 (hg19) VCF-style: chr6-116757829-C-G.
Other names: c.2198C>G, p.Pro733Arg (NM_001080976.3, NM_001322937.2, NM_001322938.2); c.2255C>G, p.Pro752Arg (NM_001322939.2); c.1637C>G, p.Pro546Arg (NM_001322940.2, NM_001322941.2); c.*1063C>G (NM_001322943.2, NM_001322944.2); c.1199C>G, p.Pro400Arg (NM_001374520.1); c.1163C>G, p.Pro388Arg (NM_001374521.1); short protein forms P733R, P752R, P400R, P388R, P546R.
Identifiers: ClinVar variation 3505373 (VCV003505373.2).

ClinVar aggregate classification (germline): Uncertain significance. Review status: criteria provided, multiple submitters, no conflicts (2 of 4 stars). 2 submissions from 2 submitters: Uncertain significance (2). Last evaluated 2025-05-03.

Conditions:
Inborn genetic diseases. Identifiers: MedGen C0950123, MeSH D030342.
Ehlers-Danlos syndrome, musculocontractural type 2 (EDSMC2). Identifiers: Orphanet 2953, MedGen C3809845, MONDO:0014236, OMIM 615539.

gnomAD v4.1: 14 of 1,614,162 alleles (0.00087%); highest among the groups gnomAD compares: Admixed American, 0.005%; no homozygotes.

Submissions (2):

Labcorp Genetics (formerly Invitae), Labcorp
Classification: Uncertain significance for Ehlers-Danlos syndrome, musculocontractural type 2. Last evaluated: 2025-05-03. Review status: criteria provided, single submitter. Criteria: Invitae Variant Classification Sherloc (09022015). Collection method: clinical testing. Allele origin: germline.
Comment: This sequence change replaces proline, which is neutral and non-polar, with arginine, which is basic and polar, at codon 733 of the DSE protein (p.Pro733Arg). This variant is present in population databases (no rsID available, gnomAD 0.003%). This variant has not been reported in the literature in individuals affected with DSE-related conditions. ClinVar contains an entry for this variant (Variation ID: 3505373). An algorithm developed to predict the effect of missense changes on protein structure and function (PolyPhen-2) suggests that this variant is likely to be tolerated. In summary, the available evidence is currently insufficient to determine the role of this variant in disease. Therefore, it has been classified as a Variant of Uncertain Significance.

Ambry Genetics
Classification: Uncertain significance for Inborn genetic diseases. Last evaluated: 2024-09-11. Review status: criteria provided, single submitter. Criteria: Ambry Variant Classification Scheme 2023. Collection method: clinical testing. Allele origin: germline.